The following is an entry in ClinVar:

NM_006545.5(NPRL2):c.491C>G (p.Pro164Arg)

Gene: NPRL2 (NPR2 like, GATOR1 complex subunit; minus strand). Cytogenetic location: 3p21.31.
Variant type: single nucleotide variant.
Coding change: c.491C>G on transcript NM_006545.5 (MANE Select); coding-DNA position 491, C replaced by G.
Protein change: p.Pro164Arg; replaces proline 164 with arginine.
Molecular consequence: missense variant.
Genome position (GRCh38, 1-based): chr3:50,348,968, G>C on the plus strand (C>G on the coding strand, the complement: NPRL2 is on the minus strand). VCF-style: chr3-50348968-G-C. GRCh37 (hg19) VCF-style: chr3-50386399-G-C.
Other names: short protein forms P164R.
Identifiers: ClinVar variation 4975911 (VCV004975911.1).

ClinVar aggregate classification (germline): Uncertain significance (1 of 4 stars; one submission).

Submission:

GeneDx
Classification: Uncertain significance. Last evaluated: 2026-02-02. Review status: criteria provided, single submitter. Criteria: GeneDx Variant Classification Process June 2021. Collection method: clinical testing. Allele origin: germline.
Comment: Not observed at significant frequency in large population cohorts (gnomAD); In silico analysis suggests that this missense variant does not alter protein structure/function; Has not been previously published as pathogenic or benign to our knowledge